The following is an entry in ClinVar:

NM_001060.6(TBXA2R):c.602C>T (p.Ser201Phe)

Gene: TBXA2R (thromboxane A2 receptor; minus strand). Cytogenetic location: 19p13.3.
Variant type: single nucleotide variant.
Coding change: c.602C>T on transcript NM_001060.6 (MANE Select); coding-DNA position 602, C replaced by T.
Protein change: p.Ser201Phe; replaces serine 201 with phenylalanine.
Molecular consequence: missense variant.
Genome position (GRCh38, 1-based): chr19:3,600,033, G>A on the plus strand (C>T on the coding strand, the complement: TBXA2R is on the minus strand). VCF-style: chr19-3600033-G-A. GRCh37 (hg19) VCF-style: chr19-3600031-G-A.
Other names: c.602C>T, p.Ser201Phe (NM_201636.3); short protein forms S201F.
Identifiers: ClinVar variation 3662199 (VCV003662199.3).

ClinVar aggregate classification (germline): Uncertain significance. Review status: criteria provided, multiple submitters, no conflicts (2 of 4 stars). 2 submissions from 2 submitters: Uncertain significance (2). Last evaluated 2025-10-23.

Conditions:
Inborn genetic diseases. Identifiers: MedGen C0950123, MeSH D030342.

Submissions (2):

Ambry Genetics
Classification: Uncertain significance for Inborn genetic diseases. Last evaluated: 2025-10-23. Review status: criteria provided, single submitter. Criteria: Ambry Variant Classification Scheme 2023. Collection method: clinical testing. Allele origin: germline.

Labcorp Genetics (formerly Invitae), Labcorp
Classification: Uncertain significance. Last evaluated: 2024-08-12. Review status: criteria provided, single submitter. Criteria: Invitae Variant Classification Sherloc (09022015). Collection method: clinical testing. Allele origin: germline.
Comment: This sequence change replaces serine, which is neutral and polar, with phenylalanine, which is neutral and non-polar, at codon 201 of the TBXA2R protein (p.Ser201Phe). This variant is not present in population databases (gnomAD no frequency). This variant has not been reported in the literature in individuals affected with TBXA2R-related conditions. Advanced modeling of protein sequence and biophysical properties (such as structural, functional, and spatial information, amino acid conservation, physicochemical variation, residue mobility, and thermodynamic stability) performed at Invitae indicates that this missense variant is not expected to disrupt TBXA2R protein function with a negative predictive value of 80%. In summary, the available evidence is currently insufficient to determine the role of this variant in disease. Therefore, it has been classified as a Variant of Uncertain Significance.